The following is an entry in ClinVar:

ClinVar aggregate classification (germline): Uncertain significance (1 of 4 stars; one submission).

Conditions:
Hereditary hemorrhagic telangiectasia (HHT). Also called: ORW DISEASE; Osler Weber Rendu syndrome; OSLER-RENDU-WEBER DISEASE; Osler hemorrhagic telangiectasia syndrome. Identifiers: Orphanet 774, MedGen C0039445, MONDO:0019180. Disease mechanism: loss of function.

Submission:

Labcorp Genetics (formerly Invitae), Labcorp
Classification: Uncertain significance for Hereditary hemorrhagic telangiectasia. Last evaluated: 2022-10-20. Review status: criteria provided, single submitter. Criteria: Invitae Variant Classification Sherloc (09022015). Collection method: clinical testing. Allele origin: germline.
Comment: Experimental studies and prediction algorithms are not available or were not evaluated, and the effect of this variant on mRNA splicing is currently unknown. This variant has not been reported in the literature in individuals affected with ENG-related conditions. Information on the frequency of this variant in the gnomAD database is not available, as this variant may be reported differently in the database. This sequence change falls in intron 9 of the ENG gene. It does not directly change the encoded amino acid sequence of the ENG protein. In summary, the available evidence is currently insufficient to determine the role of this variant in disease. Therefore, it has been classified as a Variant of Uncertain Significance.

NM_001114753.3(ENG):c.1273-21_1273-20delinsAT

Genes: ENG (endoglin; minus strand), LOC102723566 (uncharacterized LOC102723566; plus strand). Cytogenetic location: 9q34.11.
Variant type: Indel.
Coding change: c.1273-21_1273-20delinsAT on transcript NM_001114753.3 (MANE Select); 21 bases into the intron before coding-DNA position 1273 through 20 bases into the intron before coding-DNA position 1273, TC replaced by AT.
Molecular consequence: intron variant.
Genome position (GRCh38, 1-based): chr9:127,819,680-127,819,681, GA replaced by AT on the plus strand (TC replaced by AT on the coding strand, the reverse complement: ENG is on the minus strand). VCF-style: chr9-127819680-GA-AT. GRCh37 (hg19) VCF-style: chr9-130581959-GA-AT.
Other names: c.1273-21_1273-20delinsAT (NM_000118.4); c.727-21_727-20delinsAT (NM_001278138.2).
Identifiers: ClinVar variation 2042439 (VCV002042439.4), dbSNP rs2539063395, ClinGen allele CA2580079584.